The following is an entry in ClinVar:

ClinVar aggregate classification (germline): Benign/Likely benign. Review status: criteria provided, multiple submitters, no conflicts (2 of 4 stars). 2 submissions from 2 submitters: Benign (1); Likely benign (1). Last evaluated 2026-06-24.

Conditions:
Retinoblastoma (RB1). Also called: RETINOBLASTOMA, SOMATIC. Identifiers: Orphanet 790, MedGen C0035335, MeSH D012175, MONDO:0008380, OMIM 180200, HP:0009919. Disease mechanism: loss of function. Inheritance: Both sporadic and heritable forms are tested..

Submissions (2):

Myriad Genetics, Inc.
Classification: Benign for Retinoblastoma. Last evaluated: 2026-06-24. Review status: criteria provided, single submitter. Criteria: Myriad Autosomal Dominant, Autosomal Recessive and X-Linked Classification Criteria (2023). Collection method: clinical testing. Allele origin: unknown.
Comment: This variant is considered benign. This variant is a silent/synonymous amino acid change and it is not expected to impact splicing.

Labcorp Genetics (formerly Invitae), Labcorp
Classification: Likely benign for Retinoblastoma. Last evaluated: 2022-08-31. Review status: criteria provided, single submitter. Criteria: Invitae Variant Classification Sherloc (09022015). Collection method: clinical testing. Allele origin: germline.

NM_000321.3(RB1):c.763C>A (p.Arg255=)

Gene: RB1 (RB transcriptional corepressor 1; plus strand). Cytogenetic location: 13q14.2.
Variant type: single nucleotide variant.
Coding change: c.763C>A on transcript NM_000321.3 (MANE Select); coding-DNA position 763, C replaced by A.
Protein change: p.Arg255=; no amino-acid change (arginine 255 retained).
Molecular consequence: synonymous variant.
Genome position (GRCh38, 1-based): chr13:48,362,859, C>A. VCF-style: chr13-48362859-C-A. GRCh37 (hg19) VCF-style: chr13-48936995-C-A.
Other names: c.763C>A, p.Arg255= (NM_001407165.1, NM_001407166.1).
Identifiers: ClinVar variation 2200218 (VCV002200218.5), dbSNP rs587778842, ClinGen allele CA483557865.
Genomic context (GRCh38, chr13:48,362,859, plus strand): 5'-TTTACCACTTTTACAGAAACAGCTGTTATACCCATTAATGGTTCACCTCGAACACCCAGG[C>A]GAGGTCAGAACAGGAGTGCACGGATAGCAAAACAACTAGAAAATGATACAAGAATTATTG-3'
Protein context (NP_000312.2, residues 245-265): PINGSPRTPR[Arg255=]GQNRSARIAK